The following is an entry in ClinVar:

ClinVar aggregate classification (germline): Conflicting classifications of pathogenicity. Review status: criteria provided, conflicting classifications (1 of 4 stars). 5 submissions from 5 submitters: Uncertain significance (4); Likely benign (1). Last evaluated 2024-09-25.

Conditions:
LAMA2-related muscular dystrophy (LAMA2-RD). Also called: Laminin alpha 2-related dystrophy. Identifiers: MedGen C5679788, MONDO:0100228.
Inborn genetic diseases. Identifiers: MedGen C0950123, MeSH D030342.

Allele frequency attached by ClinVar (database versions not stated): gnomAD exomes 0.00002 and 0.00003; ExAC 0.00003; gnomAD 0.00003 and 0.00004; TOPMed 0.00004.
gnomAD v4.1: 27 of 1,605,722 alleles (0.0017%); highest among the groups gnomAD compares: East Asian, 0.058%; no homozygotes.

Submissions (5):

Revvity Omics, Revvity
Classification: Uncertain significance. Last evaluated: 2024-09-25. Review status: criteria provided, single submitter. Criteria: ACMG Guidelines, 2015. Collection method: clinical testing. Allele origin: germline.

Labcorp Genetics (formerly Invitae), Labcorp
Classification: Likely benign for LAMA2-related muscular dystrophy. Last evaluated: 2024-04-05. Review status: criteria provided, single submitter. Criteria: Invitae Variant Classification Sherloc (09022015). Collection method: clinical testing. Allele origin: germline.

Ambry Genetics
Classification: Uncertain significance for Inborn genetic diseases. Last evaluated: 2021-06-22. Review status: criteria provided, single submitter. Criteria: Ambry Variant Classification Scheme 2023. Collection method: clinical testing. Allele origin: germline.

GeneDx
Classification: Uncertain significance. Last evaluated: 2017-06-02. Review status: criteria provided, single submitter. Criteria: GeneDx Variant Classification (06012015). Collection method: clinical testing. Allele origin: germline. Affected: yes.
Comment: The L2016S variant has not been published as a pathogenic variant, nor has it been reported as a benign variant to our knowledge. The L2016S variant is not observed at a significant frequency in large population cohorts (Lek et al., 2016; 1000 Genomes Consortium et al., 2015; Exome Variant Server). This variant is a non-conservative amino acid substitution, which is likely to impact secondary protein structure as these residues differ in polarity, charge, size and/or other properties. This substitution occurs at a position that is conserved across species, and in silico analysis predicts this variant is probably damaging to the protein structure/function. However, missense variants in nearby residues have not been reported in the Human Gene Mutation Database in association with LAMA2-related disorders (Stenson et al., 2014).

Breakthrough Genomics
Classification: Uncertain significance. Review status: criteria provided, single submitter. Criteria: ACMG Guidelines, 2015. Collection method: not provided. Allele origin: germline. Inheritance: Autosomal recessive inheritance. Affected: yes.

NM_000426.4(LAMA2):c.6047T>C (p.Leu2016Ser)

Gene: LAMA2 (laminin subunit alpha 2; plus strand). Cytogenetic location: 6q22.33.
Variant type: single nucleotide variant.
Coding change: c.6047T>C on transcript NM_000426.4 (MANE Select); coding-DNA position 6047, T replaced by C.
Protein change: p.Leu2016Ser; replaces leucine 2016 with serine.
Molecular consequence: missense variant.
Genome position (GRCh38, 1-based): chr6:129,438,724, T>C. VCF-style: chr6-129438724-T-C. GRCh37 (hg19) VCF-style: chr6-129759869-T-C.
Other names: c.6047T>C, p.Leu2016Ser (NM_001079823.2); short protein forms L2016S.
Identifiers: ClinVar variation 432308 (VCV000432308.11), dbSNP rs773309064, ClinGen allele CA3994082.